The following is an entry in ClinVar:

NM_000161.3(GCH1):c.709G>A (p.Asp237Asn)

Gene: GCH1 (GTP cyclohydrolase 1; minus strand). Cytogenetic location: 14q22.2.
Variant type: single nucleotide variant.
Coding change: c.709G>A on transcript NM_000161.3 (MANE Select); coding-DNA position 709, G replaced by A.
Protein change: p.Asp237Asn; replaces aspartic acid 237 with asparagine.
Molecular consequence: missense variant. On other transcripts: intron variant (2).
Genome position (GRCh38, 1-based): chr14:54,844,061, C>T on the plus strand (G>A on the coding strand, the complement: GCH1 is on the minus strand). VCF-style: chr14-54844061-C-T. GRCh37 (hg19) VCF-style: chr14-55310779-C-T.
Other names: c.709G>A, p.Asp237Asn (NM_001024024.2); c.627-1007G>A (NM_001024071.2); c.627-192G>A (NM_001024070.2); short protein forms D237N.
Identifiers: ClinVar variation 1465627 (VCV001465627.6), dbSNP rs2140038782, ClinGen allele CA389787002.

ClinVar aggregate classification (germline): Uncertain significance (1 of 4 stars; one submission).

Conditions:
GTP cyclohydrolase I deficiency. Identifiers: MedGen C0268467, MONDO:0100184.
Dystonia 5 (DRD). Also called: GTP Cyclohydrolase 1-Deficient Dopa-Responsive Dystonia; DYT-GCH1; Dystonia, DOPA-responsive, with or without hyperphenylalaninemia; DYSTONIA, PROGRESSIVE, WITH DIURNAL VARIATION; DYSTONIA-PARKINSONISM WITH DIURNAL FLUCTUATION. Identifiers: Orphanet 98808, MedGen C1851920, MONDO:0007495, OMIM 128230.

Submission:

Labcorp Genetics (formerly Invitae), Labcorp
Classification: Uncertain significance for GTP cyclohydrolase I deficiency; Dystonia 5. Last evaluated: 2022-08-16. Review status: criteria provided, single submitter. Criteria: Invitae Variant Classification Sherloc (09022015). Collection method: clinical testing. Allele origin: germline.
Comment: In summary, the available evidence is currently insufficient to determine the role of this variant in disease. Therefore, it has been classified as a Variant of Uncertain Significance. Algorithms developed to predict the effect of missense changes on protein structure and function (SIFT, PolyPhen-2, Align-GVGD) all suggest that this variant is likely to be tolerated. ClinVar contains an entry for this variant (Variation ID: 1465627). This variant has not been reported in the literature in individuals affected with GCH1-related conditions. This variant is not present in population databases (gnomAD no frequency). This sequence change replaces aspartic acid, which is acidic and polar, with asparagine, which is neutral and polar, at codon 237 of the GCH1 protein (p.Asp237Asn).